The following is an entry in ClinVar:

NM_001349253.2(SCN11A):c.1960G>A (p.Ala654Thr)

Gene: SCN11A (sodium voltage-gated channel alpha subunit 11; minus strand). Cytogenetic location: 3p22.2.
Variant type: single nucleotide variant.
Coding change: c.1960G>A on transcript NM_001349253.2 (MANE Select); coding-DNA position 1960, G replaced by A.
Protein change: p.Ala654Thr; replaces alanine 654 with threonine.
Molecular consequence: missense variant.
Genome position (GRCh38, 1-based): chr3:38,899,956, C>T on the plus strand (G>A on the coding strand, the complement: SCN11A is on the minus strand). VCF-style: chr3-38899956-C-T. GRCh37 (hg19) VCF-style: chr3-38941447-C-T.
Other names: c.1960G>A, p.Ala654Thr (NM_014139.3); short protein forms A654T.
Identifiers: ClinVar variation 1783427 (VCV001783427.4), dbSNP rs1195878001, ClinGen allele CA352161511.

ClinVar aggregate classification (germline): Uncertain significance. Review status: criteria provided, multiple submitters, no conflicts (2 of 4 stars). 2 submissions from 2 submitters: Uncertain significance (2). Last evaluated 2025-01-14.

Conditions:
Inborn genetic diseases. Identifiers: MedGen C0950123, MeSH D030342.
Hereditary sensory and autonomic neuropathy type 7. Also called: Neuropathy, hereditary sensory and autonomic, type VII; HSAN VII. Identifiers: Orphanet 391397, MedGen C3809882, MONDO:0014244, OMIM 615548.
Familial episodic pain syndrome with predominantly lower limb involvement. Also called: Episodic pain syndrome, familial, 3. Identifiers: Orphanet 391384, Orphanet 391392, MedGen C3809899, MONDO:0014247, OMIM 615552.

Allele frequency attached by ClinVar (database versions not stated): gnomAD exomes below 0.00001.
gnomAD v4.1: 5 of 1,614,064 alleles (0.00031%); highest among the groups gnomAD compares: South Asian, 0.0022%; no homozygotes.

Submissions (2):

Labcorp Genetics (formerly Invitae), Labcorp
Classification: Uncertain significance for Familial episodic pain syndrome with predominantly lower limb involvement; Hereditary sensory and autonomic neuropathy type 7. Last evaluated: 2025-01-14. Review status: criteria provided, single submitter. Criteria: Invitae Variant Classification Sherloc (09022015). Collection method: clinical testing. Allele origin: germline.
Comment: This sequence change replaces alanine, which is neutral and non-polar, with threonine, which is neutral and polar, at codon 654 of the SCN11A protein (p.Ala654Thr). This variant is present in population databases (no rsID available, gnomAD 0.003%). This variant has not been reported in the literature in individuals affected with SCN11A-related conditions. ClinVar contains an entry for this variant (Variation ID: 1783427). An algorithm developed to predict the effect of missense changes on protein structure and function outputs the following: PolyPhen-2: "Benign". The threonine amino acid residue is found in multiple mammalian species, which suggests that this missense change does not adversely affect protein function. In summary, the available evidence is currently insufficient to determine the role of this variant in disease. Therefore, it has been classified as a Variant of Uncertain Significance.

Ambry Genetics
Classification: Uncertain significance for Inborn genetic diseases. Last evaluated: 2022-04-13. Review status: criteria provided, single submitter. Criteria: Ambry Variant Classification Scheme 2023. Collection method: clinical testing. Allele origin: germline.
Comment: The p.A654T variant (also known as c.1960G>A), located in coding exon 13 of the SCN11A gene, results from a G to A substitution at nucleotide position 1960. The alanine at codon 654 is replaced by threonine, an amino acid with similar properties. This amino acid position is conserved. In addition, this alteration is predicted to be tolerated by in silico analysis. Since supporting evidence is limited at this time, the clinical significance of this alteration remains unclear.